The following is an entry in ClinVar:

NM_000326.5(RLBP1):c.901G>T (p.Val301Phe)

Gene: RLBP1 (retinaldehyde binding protein 1; minus strand). Cytogenetic location: 15q26.1.
Variant type: single nucleotide variant.
Coding change: c.901G>T on transcript NM_000326.5 (MANE Select); coding-DNA position 901, G replaced by T.
Protein change: p.Val301Phe; replaces valine 301 with phenylalanine.
Molecular consequence: missense variant.
Genome position (GRCh38, 1-based): chr15:89,210,338, C>A on the plus strand (G>T on the coding strand, the complement: RLBP1 is on the minus strand). VCF-style: chr15-89210338-C-A. GRCh37 (hg19) VCF-style: chr15-89753569-C-A.
Other names: c.901G>T (NM_000326.4); short protein forms V301F.
Identifiers: ClinVar variation 1046288 (VCV001046288.6), dbSNP rs773667486, ClinGen allele CA7722148.
Genomic context (GRCh38, chr15:89,210,338, plus strand): 5'-GATGTTTTCAGAAGGCTGTGTTCTCAGCTTGGGCCTGGGGGCCAAAGAGCTGCTCAGCAA[C>A]GGCCTTGCCATCATACTTGGGCAGCGTGCCCCCGAAGTCAGAGGGCAGGATGTTCTCATC-3'
Protein context (NP_000317.1, residues 291-311): GTLPKYDGKA[Val301Phe]AEQLFGPQAQ

ClinVar aggregate classification (germline): Uncertain significance. Review status: criteria provided, multiple submitters, no conflicts (2 of 4 stars). 3 submissions from 3 submitters: Uncertain significance (3). Last evaluated 2025-11-26.

Conditions:
RLBP1-related disorder. Also called: RLBP1-related disorders; RLBP1-related condition. Identifiers: MedGen CN239413.
Inborn genetic diseases. Identifiers: MedGen C0950123, MeSH D030342.

gnomAD v4.1: 49 of 1,614,112 alleles (0.003%); highest among the groups gnomAD compares: Non-Finnish European, 0.0037%; no homozygotes.

Submissions (3):

PreventionGenetics, part of Exact Sciences
Classification: Uncertain significance for RLBP1-related condition. Last evaluated: 2025-11-26. Review status: criteria provided, single submitter. Criteria: ACMG Guidelines, 2015. Collection method: clinical testing. Allele origin: germline.
Comment: The RLBP1 c.901G>T variant is predicted to result in the amino acid substitution p.Val301Phe. To our knowledge, this variant has not been reported in the literature. This variant is reported in 0.0031% of alleles in individuals of European (Non-Finnish) descent in gnomAD. At this time, the clinical significance of this variant is uncertain due to the absence of conclusive functional and genetic evidence.

Ambry Genetics
Classification: Uncertain significance for Inborn genetic diseases. Last evaluated: 2025-01-04. Review status: criteria provided, single submitter. Criteria: Ambry Variant Classification Scheme 2023. Collection method: clinical testing. Allele origin: germline.

Labcorp Genetics (formerly Invitae), Labcorp
Classification: Uncertain significance. Last evaluated: 2022-03-12. Review status: criteria provided, single submitter. Criteria: Invitae Variant Classification Sherloc (09022015). Collection method: clinical testing. Allele origin: germline.
Comment: This sequence change replaces valine, which is neutral and non-polar, with phenylalanine, which is neutral and non-polar, at codon 301 of the RLBP1 protein (p.Val301Phe). This variant is present in population databases (rs773667486, gnomAD 0.004%). This variant has not been reported in the literature in individuals affected with RLBP1-related conditions. ClinVar contains an entry for this variant (Variation ID: 1046288). Algorithms developed to predict the effect of missense changes on protein structure and function (SIFT, PolyPhen-2, Align-GVGD) all suggest that this variant is likely to be tolerated. In summary, the available evidence is currently insufficient to determine the role of this variant in disease. Therefore, it has been classified as a Variant of Uncertain Significance.